The following is an entry in ClinVar:

NM_000088.4(COL1A1):c.3978C>T (p.Phe1326=)

Gene: COL1A1 (collagen type I alpha 1 chain; minus strand). Cytogenetic location: 17q21.33.
Variant type: single nucleotide variant.
Coding change: c.3978C>T on transcript NM_000088.4 (MANE Select); coding-DNA position 3978, C replaced by T.
Protein change: p.Phe1326=; no amino-acid change (phenylalanine 1326 retained).
Molecular consequence: synonymous variant.
Genome position (GRCh38, 1-based): chr17:50,186,344, G>A on the plus strand (C>T on the coding strand, the complement: COL1A1 is on the minus strand). VCF-style: chr17-50186344-G-A. GRCh37 (hg19) VCF-style: chr17-48263705-G-A.
Identifiers: ClinVar variation 671957 (VCV000671957.18), dbSNP rs200145743, ClinGen allele CA8644308.

ClinVar aggregate classification (germline): Benign/Likely benign. Review status: criteria provided, multiple submitters, no conflicts (2 of 4 stars). 6 submissions from 6 submitters: Benign (2); Likely benign (3). 1 of the submissions does not count toward it. Last evaluated 2026-04-07.

Conditions:
Osteogenesis imperfecta type I (OI1). Also called: OI, TYPE I; OSTEOGENESIS IMPERFECTA TARDA; OSTEOGENESIS IMPERFECTA WITH BLUE SCLERAE; Osteogenesis imperfecta type 1; Lobstein disease; Lobstein's Disease. Identifiers: Orphanet 216796, Orphanet 666, MedGen C0023931, MONDO:0008146, OMIM 166200. Disease mechanism: loss of function.
Cardiovascular phenotype. Identifiers: MedGen CN230736.
COL1A1-related disorder. Also called: COL1A1- related disease; COL1A1-related condition.

Allele frequency attached by ClinVar (database versions not stated): gnomAD 0.00006 and 0.00008; gnomAD exomes 0.00007 and 0.00010; ESP Exome Variant Server 0.00008; ExAC 0.00009; TOPMed 0.00009; 1000 Genomes Project 30x 0.00031; 1000 Genomes Project 0.00040.
gnomAD v4.1: 117 of 1,614,196 alleles (0.0072%); highest among the groups gnomAD compares: East Asian, 0.23%; no homozygotes.

Submissions (6):

Women's Health and Genetics/Laboratory Corporation of America, LabCorp
Classification: Benign. Last evaluated: 2026-04-07. Review status: criteria provided, single submitter. Criteria: LabCorp Variant Classification Summary - May 2015. Collection method: clinical testing. Allele origin: germline.

Labcorp Genetics (formerly Invitae), Labcorp
Classification: Benign for Osteogenesis imperfecta type I. Last evaluated: 2026-01-13. Review status: criteria provided, single submitter. Criteria: Invitae Variant Classification Sherloc (09022015). Collection method: clinical testing. Allele origin: germline.

Ambry Genetics
Classification: Likely benign for Cardiovascular phenotype. Last evaluated: 2023-03-16. Review status: criteria provided, single submitter. Criteria: Ambry Variant Classification Scheme 2023. Collection method: clinical testing. Allele origin: germline.

Blueprint Genetics
Classification: Likely benign. Last evaluated: 2022-06-21. Review status: criteria provided, single submitter. Criteria: ACMG Guidelines, 2015. Collection method: clinical testing. Allele origin: germline.

GeneDx
Classification: Likely benign. Last evaluated: 2020-02-25. Review status: criteria provided, single submitter. Criteria: GeneDx Variant Classification Process June 2021. Collection method: clinical testing. Allele origin: germline. Affected: yes.

PreventionGenetics, part of Exact Sciences
Classification: Likely benign for COL1A1-related condition. Last evaluated: 2019-07-23. Review status: no assertion criteria provided. Collection method: clinical testing. Allele origin: germline. Not counted in ClinVar's aggregate classification.
Comment: This variant is classified as likely benign based on ACMG/AMP sequence variant interpretation guidelines (Richards et al. 2015 PMID: 25741868, with internal and published modifications).